The following is an entry in ClinVar:

ClinVar aggregate classification (germline): Conflicting classifications of pathogenicity. Review status: criteria provided, conflicting classifications (1 of 4 stars). 4 submissions from 4 submitters: Uncertain significance (3); Likely benign (1). Last evaluated 2025-12-19.

Conditions:
Aspartylglucosaminuria (AGU). Also called: AGA DEFICIENCY; GLYCOASPARAGINASE; GLYCOSYLASPARAGINASE DEFICIENCY; Aspartylglucos-aminuria; Aspartylglucos-amidase (AGA) deficiency. Identifiers: Orphanet 93, MedGen C0268225, MONDO:0008830, OMIM 208400, HP:0012068.
Inborn genetic diseases. Identifiers: MedGen C0950123, MeSH D030342.

Allele frequency attached by ClinVar (database versions not stated): ExAC 0.00004; gnomAD 0.00014; TOPMed 0.00019; 1000 Genomes Project 0.00020; ESP Exome Variant Server 0.00023; 1000 Genomes Project 30x 0.00031.
gnomAD v4.1: 104 of 1,614,098 alleles (0.0064%); highest among the groups gnomAD compares: Admixed American, 0.067%; no homozygotes.

Submissions (4):

Labcorp Genetics (formerly Invitae), Labcorp
Classification: Likely benign for Aspartylglucosaminuria. Last evaluated: 2025-12-19. Review status: criteria provided, single submitter. Criteria: Invitae Variant Classification Sherloc (09022015). Collection method: clinical testing. Allele origin: germline.

Ambry Genetics
Classification: Uncertain significance for Inborn genetic diseases. Last evaluated: 2024-05-23. Review status: criteria provided, single submitter. Criteria: Ambry Variant Classification Scheme 2023. Collection method: clinical testing. Allele origin: germline.

Blueprint Genetics
Classification: Uncertain significance. Last evaluated: 2024-03-14. Review status: criteria provided, single submitter. Criteria: ACMG Guidelines, 2015. Collection method: clinical testing. Allele origin: germline.

GeneDx
Classification: Uncertain significance. Last evaluated: 2021-06-15. Review status: criteria provided, single submitter. Criteria: GeneDx Variant Classification Process June 2021. Collection method: clinical testing. Allele origin: germline. Affected: yes.
Comment: In silico analysis supports that this missense variant has a deleterious effect on protein structure/function; Has not been previously published as pathogenic or benign to our knowledge; This variant is associated with the following publications: (PMID: 27535533)

NM_000027.4(AGA):c.923A>G (p.Asn308Ser)

Gene: AGA (aspartylglucosaminidase; minus strand). Cytogenetic location: 4q34.3.
Variant type: single nucleotide variant.
Coding change: c.923A>G on transcript NM_000027.4 (MANE Select); coding-DNA position 923, A replaced by G.
Protein change: p.Asn308Ser; replaces asparagine 308 with serine.
Molecular consequence: missense variant. On other transcripts: non-coding transcript variant (1).
Genome position (GRCh38, 1-based): chr4:177,433,231, T>C on the plus strand (A>G on the coding strand, the complement: AGA is on the minus strand). VCF-style: chr4-177433231-T-C. GRCh37 (hg19) VCF-style: chr4-178354385-T-C.
Other names: c.893A>G, p.Asn298Ser (NM_001171988.2); short protein forms N298S, N308S.
Identifiers: ClinVar variation 1766281 (VCV001766281.9), dbSNP rs371221470, ClinGen allele CA3146756.